The following is an entry in ClinVar:

NM_144639.3(UROC1):c.213C>T (p.Tyr71=)

Gene: UROC1 (urocanate hydratase 1; minus strand). Cytogenetic location: 3q21.3.
Variant type: single nucleotide variant.
Coding change: c.213C>T on transcript NM_144639.3 (MANE Select); coding-DNA position 213, C replaced by T.
Protein change: p.Tyr71=; no amino-acid change (tyrosine 71 retained).
Molecular consequence: synonymous variant.
Genome position (GRCh38, 1-based): chr3:126,510,708, G>A on the plus strand (C>T on the coding strand, the complement: UROC1 is on the minus strand). VCF-style: chr3-126510708-G-A. GRCh37 (hg19) VCF-style: chr3-126229551-G-A.
Other names: c.213C>T, p.Tyr71= (NM_001165974.2).
Identifiers: ClinVar variation 4872496 (VCV004872496.2).

ClinVar aggregate classification (germline): Likely benign (1 of 4 stars; one submission).

gnomAD v4.1: 21 of 1,614,002 alleles (0.0013%); highest among the groups gnomAD compares: African/African-American, 0.012%; no homozygotes.

Submission:

CeGaT Center for Human Genetics Tuebingen
Classification: Likely benign. Last evaluated: 2026-05-01. Review status: criteria provided, single submitter. Criteria: CeGaT Center For Human Genetics Tuebingen Variant Classification Criteria Version 2. Collection method: clinical testing. Allele origin: germline. Affected: yes. Observed: 1 variant allele.
Comment: UROC1: BP4, BP7